The following is an entry in ClinVar:

NM_001854.4(COL11A1):c.1949C>A (p.Pro650Gln)

Gene: COL11A1 (collagen type XI alpha 1 chain; minus strand). Cytogenetic location: 1p21.1.
Variant type: single nucleotide variant.
Coding change: c.1949C>A on transcript NM_001854.4 (MANE Select); coding-DNA position 1949, C replaced by A.
Protein change: p.Pro650Gln; replaces proline 650 with glutamine.
Molecular consequence: missense variant. On other transcripts: non-coding transcript variant (1).
Genome position (GRCh38, 1-based): chr1:103,003,264, G>T on the plus strand (C>A on the coding strand, the complement: COL11A1 is on the minus strand). VCF-style: chr1-103003264-G-T. GRCh37 (hg19) VCF-style: chr1-103468820-G-T.
Other names: c.1601C>A, p.Pro534Gln (NM_001168249.1, NM_080630.4); c.1832C>A, p.Pro611Gln (NM_001190709.2); c.1985C>A, p.Pro662Gln (NM_080629.3); short protein forms P534Q, P611Q, P662Q, P650Q.
Identifiers: ClinVar variation 1915385 (VCV001915385.5), dbSNP rs199875795, ClinGen allele CA341171787.

ClinVar aggregate classification (germline): Uncertain significance (1 of 4 stars; one submission).

gnomAD v4.1: 1 of 1,612,604 alleles (0.000062%); highest among the groups gnomAD compares: Non-Finnish European, 0.000085%; no homozygotes.

Submission:

Labcorp Genetics (formerly Invitae), Labcorp
Classification: Uncertain significance. Last evaluated: 2022-07-31. Review status: criteria provided, single submitter. Criteria: Invitae Variant Classification Sherloc (09022015). Collection method: clinical testing. Allele origin: germline.
Comment: In summary, the available evidence is currently insufficient to determine the role of this variant in disease. Therefore, it has been classified as a Variant of Uncertain Significance. Advanced modeling of protein sequence and biophysical properties (such as structural, functional, and spatial information, amino acid conservation, physicochemical variation, residue mobility, and thermodynamic stability) performed at Invitae indicates that this missense variant is not expected to disrupt COL11A1 protein function. This variant has not been reported in the literature in individuals affected with COL11A1-related conditions. This variant is not present in population databases (gnomAD no frequency). This sequence change replaces proline, which is neutral and non-polar, with glutamine, which is neutral and polar, at codon 650 of the COL11A1 protein (p.Pro650Gln).